The following is an entry in ClinVar:

ClinVar aggregate classification (germline): Uncertain significance (1 of 4 stars; one submission).

Conditions:
ABCC2-related disorder. Also called: ABCC2-related condition.

Submission:

PreventionGenetics, part of Exact Sciences
Classification: Uncertain significance for ABCC2-related condition. Last evaluated: 2025-07-03. Review status: criteria provided, single submitter. Criteria: ACMG Guidelines, 2015. Collection method: clinical testing. Allele origin: germline.
Comment: The ABCC2 c.2513C>A variant is predicted to result in the amino acid substitution p.Thr838Lys. To our knowledge, this variant has not been reported in the literature or in a large population database (gnomAD), indicating this variant is rare. At this time, the clinical significance of this variant is uncertain due to the absence of conclusive functional and genetic evidence.

NM_000392.5(ABCC2):c.2513C>A (p.Thr838Lys)

Gene: ABCC2 (ATP binding cassette subfamily C member 2; plus strand). Cytogenetic location: 10q24.2.
Variant type: single nucleotide variant.
Coding change: c.2513C>A on transcript NM_000392.5 (MANE Select); coding-DNA position 2513, C replaced by A.
Protein change: p.Thr838Lys; replaces threonine 838 with lysine.
Molecular consequence: missense variant.
Genome position (GRCh38, 1-based): chr10:99,819,162, C>A. VCF-style: chr10-99819162-C-A. GRCh37 (hg19) VCF-style: chr10-101578919-C-A.
Other names: short protein forms T838K.
Identifiers: ClinVar variation 4987353 (VCV004987353.1).